The following is an entry in ClinVar:

ClinVar aggregate classification (germline): Uncertain significance (1 of 4 stars; one submission).

Conditions:
Seizures, benign familial infantile, 3 (BFIS3). Also called: Familial neonatal seizures; CONVULSIONS, BENIGN FAMILIAL INFANTILE, 3. Identifiers: Orphanet 140927, Orphanet 306, MedGen C1843140, MONDO:0011904, OMIM 607745.
Developmental and epileptic encephalopathy, 11 (DEE11). Also called: Early infantile epileptic encephalopathy 11. Identifiers: Orphanet 1934, MedGen C3150987, MONDO:0013388, OMIM 613721.

Submission:

Labcorp Genetics (formerly Invitae), Labcorp
Classification: Uncertain significance for Seizures, benign familial infantile, 3; Developmental and epileptic encephalopathy, 11. Last evaluated: 2024-10-24. Review status: criteria provided, single submitter. Criteria: Invitae Variant Classification Sherloc (09022015). Collection method: clinical testing. Allele origin: germline.
Comment: This sequence change replaces methionine, which is neutral and non-polar, with threonine, which is neutral and polar, at codon 73 of the SCN2A protein (p.Met73Thr). This variant is not present in population databases (gnomAD no frequency). This variant has not been reported in the literature in individuals affected with SCN2A-related conditions. ClinVar contains an entry for this variant (Variation ID: 1376391). Invitae Evidence Modeling of protein sequence and biophysical properties (such as structural, functional, and spatial information, amino acid conservation, physicochemical variation, residue mobility, and thermodynamic stability) indicates that this missense variant is expected to disrupt SCN2A protein function with a positive predictive value of 95%. In summary, the available evidence is currently insufficient to determine the role of this variant in disease. Therefore, it has been classified as a Variant of Uncertain Significance.

NM_001040142.2(SCN2A):c.218T>C (p.Met73Thr)

Gene: SCN2A (sodium voltage-gated channel alpha subunit 2; plus strand). Cytogenetic location: 2q24.3.
Variant type: single nucleotide variant.
Coding change: c.218T>C on transcript NM_001040142.2 (MANE Select); coding-DNA position 218, T replaced by C.
Protein change: p.Met73Thr; replaces methionine 73 with threonine.
Molecular consequence: missense variant.
Genome position (GRCh38, 1-based): chr2:165,296,041, T>C. VCF-style: chr2-165296041-T-C. GRCh37 (hg19) VCF-style: chr2-166152551-T-C.
Other names: c.218T>C, p.Met73Thr (NM_001040143.2, NM_001371246.1, NM_001371247.1 and 1 more transcripts); short protein forms M73T.
Identifiers: ClinVar variation 1376391 (VCV001376391.6), dbSNP rs2106149377, ClinGen allele CA349010626.
Genomic context (GRCh38, chr2:165,296,041, plus strand): 5'-ACAGTGACTTGGAAGCAGGAAAATCTCTTCCATTTATTTATGGAGACATTCCTCCAGAGA[T>C]GGTGTCAGTGCCCCTGGAGGATCTGGACCCCTACTATATCAATAAGAAAGTGAGTTCTTA-3'
Protein context (NP_001035232.1, residues 63-83): PFIYGDIPPE[Met73Thr]VSVPLEDLDP